The following is an entry in ClinVar:

ClinVar aggregate classification (germline): Uncertain significance. Review status: criteria provided, multiple submitters, no conflicts (2 of 4 stars). 3 submissions from 3 submitters: Uncertain significance (3). Last evaluated 2025-09-05.

Conditions:
Hereditary cancer-predisposing syndrome. Also called: Neoplastic Syndromes, Hereditary; Tumor predisposition; Hereditary neoplastic syndrome; Hereditary Cancer Syndrome. Identifiers: Orphanet 140162, MedGen C0027672, MeSH D009386, MONDO:0015356.
Hereditary nonpolyposis colorectal neoplasms. Identifiers: MedGen C0009405, MeSH D003123.

Submissions (3):

Color Diagnostics, LLC DBA Color Health
Classification: Uncertain significance for Hereditary cancer-predisposing syndrome. Last evaluated: 2025-09-05. Review status: criteria provided, single submitter. Criteria: ACMG Guidelines, 2015. Collection method: clinical testing. Allele origin: germline.
Comment: This missense variant replaces glutamic acid with glutamine at codon 52 of the MSH6 protein. Computational prediction suggests that this variant may not impact protein structure and function. To our knowledge, functional studies have not been reported for this variant. This variant has not been reported in individuals affected with MSH6-related disorders in the literature. This variant has not been identified in the general population by the Genome Aggregation Database (gnomAD). The available evidence is insufficient to determine the role of this variant in disease conclusively. Therefore, this variant is classified as a Variant of Uncertain Significance.

Ambry Genetics
Classification: Uncertain significance for Hereditary cancer-predisposing syndrome. Last evaluated: 2024-06-20. Review status: criteria provided, single submitter. Criteria: Ambry Variant Classification Scheme 2023. Collection method: clinical testing. Allele origin: germline.
Comment: The p.E52Q variant (also known as c.154G>C), located in coding exon 1 of the MSH6 gene, results from a G to C substitution at nucleotide position 154. The glutamic acid at codon 52 is replaced by glutamine, an amino acid with highly similar properties. This amino acid position is not well conserved in available vertebrate species. In addition, this alteration is predicted to be tolerated by in silico analysis. Based on the available evidence, the clinical significance of this variant remains unclear.

Labcorp Genetics (formerly Invitae), Labcorp
Classification: Uncertain significance for Hereditary nonpolyposis colorectal neoplasms. Last evaluated: 2018-11-04. Review status: criteria provided, single submitter. Criteria: Invitae Variant Classification Sherloc (09022015). Collection method: clinical testing. Allele origin: germline.
Comment: This sequence change replaces glutamic acid with glutamine at codon 52 of the MSH6 protein (p.Glu52Gln). The glutamic acid residue is weakly conserved and there is a small physicochemical difference between glutamic acid and glutamine. In summary, the available evidence is currently insufficient to determine the role of this variant in disease. Therefore, it has been classified as a Variant of Uncertain Significance. Algorithms developed to predict the effect of missense changes on protein structure and function (SIFT, PolyPhen-2, Align-GVGD) all suggest that this variant is likely to be tolerated, but these predictions have not been confirmed by published functional studies and their clinical significance is uncertain. This variant has not been reported in the literature in individuals with MSH6-related disease. This variant is not present in population databases (ExAC no frequency).

NM_000179.3(MSH6):c.154G>C (p.Glu52Gln)

Gene: MSH6 (mutS homolog 6; plus strand). Cytogenetic location: 2p16.3.
Variant type: single nucleotide variant.
Coding change: c.154G>C on transcript NM_000179.3 (MANE Select); coding-DNA position 154, G replaced by C.
Protein change: p.Glu52Gln; replaces glutamic acid 52 with glutamine.
Molecular consequence: missense variant. On other transcripts: 5 prime UTR variant (1).
Genome position (GRCh38, 1-based): chr2:47,783,387, G>C. VCF-style: chr2-47783387-G-C. GRCh37 (hg19) VCF-style: chr2-48010526-G-C.
Other names: c.154G>C, p.Glu52Gln (NM_001281492.2); c.-583G>C (NM_001281493.2); short protein forms E52Q.
Identifiers: ClinVar variation 642314 (VCV000642314.12), dbSNP rs1114167719, ClinGen allele CA346734948.
Genomic context (GRCh38, chr2:47,783,387, plus strand): 5'-GGCCGTGCCGCCGCTGCCCCCGGGGCCTCTCCTTCCCCAGGCGGGGATGCGGCCTGGAGC[G>C]AGGCTGGGCCTGGGCCCAGGCCCTTGGCGCGCTCCGCGTCACCGCCCAAGGCGAAGAACC-3'
Protein context (NP_000170.1, residues 42-62): PSPGGDAAWS[Glu52Gln]AGPGPRPLAR